The following is an entry in ClinVar:

ClinVar aggregate classification (germline): Uncertain significance (1 of 4 stars; one submission).

Conditions:
Inborn genetic diseases. Identifiers: MedGen C0950123, MeSH D030342.

Submission:

Ambry Genetics
Classification: Uncertain significance for Inborn genetic diseases. Last evaluated: 2026-08-17. Review status: criteria provided, single submitter. Criteria: Ambry Variant Classification Scheme 2023. Collection method: clinical testing. Allele origin: germline.
Comment: The p.P724T variant (also known as c.2170C>A), located in coding exon 8 of the MECOM gene, results from a C to A substitution at nucleotide position 2170. The proline at codon 724 is replaced by threonine, an amino acid with highly similar properties. This amino acid position is conserved. In addition, the in silico prediction for this alteration is inconclusive. Based on the available evidence, the clinical significance of this variant remains unclear.

NM_004991.4(MECOM):c.2170C>A (p.Pro724Thr)

Gene: MECOM (MDS1 and EVI1 complex locus; minus strand). Cytogenetic location: 3q26.2.
Variant type: single nucleotide variant.
Coding change: c.2170C>A on transcript NM_004991.4 (MANE Select); coding-DNA position 2170, C replaced by A.
Protein change: p.Pro724Thr; replaces proline 724 with threonine.
Molecular consequence: missense variant.
Genome position (GRCh38, 1-based): chr3:169,115,702, G>T on the plus strand (C>A on the coding strand, the complement: MECOM is on the minus strand). VCF-style: chr3-169115702-G-T. GRCh37 (hg19) VCF-style: chr3-168833490-G-T.
Other names: c.1801C>A, p.Pro601Thr (NM_001105077.4); c.1606C>A, p.Pro536Thr (NM_001105078.4, NM_001164000.2, NM_001205194.2 and 4 more transcripts); c.1609C>A, p.Pro537Thr (NM_001163999.2, NM_001366467.2, NM_001366468.2 and 1 more transcripts); c.2170C>A, p.Pro724Thr (NM_001366466.2); c.1198C>A, p.Pro400Thr (NM_001366473.2); c.634C>A, p.Pro212Thr (NM_001366474.2); short protein forms P400T, P724T, P601T, P212T, P536T, P537T.
Identifiers: ClinVar variation 5024189 (VCV005024189.1).